The following is an entry in ClinVar:

ClinVar aggregate classification (germline): Uncertain significance (1 of 4 stars; one submission).

Allele frequency attached by ClinVar (database versions not stated): gnomAD exomes below 0.00001.
gnomAD v4.1: 1 of 1,614,066 alleles (0.000062%); highest among the groups gnomAD compares: Admixed American, 0.0017%; no homozygotes.

Submission:

ARUP Laboratories, Molecular Genetics and Genomics, ARUP Laboratories
Classification: Uncertain significance. Last evaluated: 2019-09-11. Review status: criteria provided, single submitter. Criteria: ARUP Molecular Germline Variant Investigation Process. Collection method: clinical testing. Allele origin: germline.
Comment: The KIF1B c.4370A>T; p.His1457Leu variant (rs1224742258), to our knowledge, is not reported in the medical literature or gene specific databases. This variant is only observed on one allele in the Genome Aggregation Database, indicating it is not a common polymorphism. The histidine at codon 1457 is highly conserved, but computational analyses (SIFT, PolyPhen-2) predict that this variant is tolerated. Due to limited information, the clinical significance of the p.His1457Leu variant is uncertain at this time.

NM_001365951.3(KIF1B):c.4508A>T (p.His1503Leu)

Gene: KIF1B (kinesin family member 1B; plus strand). Cytogenetic location: 1p36.22.
Variant type: single nucleotide variant.
Coding change: c.4508A>T on transcript NM_001365951.3 (MANE Select); coding-DNA position 4508, A replaced by T.
Protein change: p.His1503Leu; replaces histidine 1503 with leucine.
Molecular consequence: missense variant.
Genome position (GRCh38, 1-based): chr1:10,365,241, A>T. VCF-style: chr1-10365241-A-T. GRCh37 (hg19) VCF-style: chr1-10425299-A-T.
Other names: c.4508A>T, p.His1503Leu (NM_001365952.1); c.4370A>T, p.His1457Leu (NM_015074.3); short protein forms H1457L, H1503L.
Identifiers: ClinVar variation 993768 (VCV000993768.8), dbSNP rs1224742258, ClinGen allele CA338321241.